The following is an entry in ClinVar:

NM_024312.5(GNPTAB):c.571+3A>G

Gene: GNPTAB (N-acetylglucosamine-1-phosphate transferase subunits alpha and beta; minus strand). Cytogenetic location: 12q23.2.
Variant type: single nucleotide variant.
Coding change: c.571+3A>G on transcript NM_024312.5 (MANE Select); 3 bases into the intron after coding-DNA position 571, A replaced by G.
Molecular consequence: intron variant.
Genome position (GRCh38, 1-based): chr12:101,786,009, T>C on the plus strand (A>G on the coding strand, the complement: GNPTAB is on the minus strand). VCF-style: chr12-101786009-T-C. GRCh37 (hg19) VCF-style: chr12-102179787-T-C.
Identifiers: ClinVar variation 5005021 (VCV005005021.2).

ClinVar aggregate classification (germline): Uncertain significance (1 of 4 stars; one submission).

Conditions:
Mucolipidosis type II. Also called: Mucolipidosis II Alpha/Beta; Mucolipidosis 2; ML 2; Inclusion cell disease; Leroy Disease; N-acetylglucosamine 1phosphotransferase deficiency. Identifiers: Orphanet 576, MedGen C2673377, MONDO:0009650, OMIM 252500.
Pseudo-Hurler polydystrophy. Also called: MUCOLIPIDOSIS IIIA; Type III Mucolipidosis; ML III; ML III ALPHA/BETA; ML IIIA; Mucolipidosis III Alpha/Beta. Identifiers: Orphanet 423461, Orphanet 577, MedGen C0033788, MONDO:0018931, OMIM 252600.

gnomAD v4.1: 4 of 1,599,574 alleles (0.00025%); highest among the groups gnomAD compares: Non-Finnish European, 0.00026%; no homozygotes.

Submission:

Juno Genomics, Hangzhou Juno Genomics, Inc
Classification: Uncertain significance for Mucolipidosis type II; Pseudo-Hurler polydystrophy. Review status: criteria provided, single submitter. Criteria: ACMG Guidelines, 2015. Collection method: clinical testing. Allele origin: germline.
Comment: Absent from controls (or at extremely low frequency if recessive) in Genome Aggregation Database.;Multiple lines of computational evidence support a deleterious effect on the gene or gene product.